The following is an entry in ClinVar:

ClinVar aggregate classification (germline): Uncertain significance (1 of 4 stars; one submission).

gnomAD v4.1: 1 of 1,550,066 alleles (0.000065%); highest among the groups gnomAD compares: Non-Finnish European, 0.000087%; no homozygotes.

Submission:

Labcorp Genetics (formerly Invitae), Labcorp
Classification: Uncertain significance. Last evaluated: 2024-04-30. Review status: criteria provided, single submitter. Criteria: Invitae Variant Classification Sherloc (09022015). Collection method: clinical testing. Allele origin: germline.
Comment: This sequence change replaces proline, which is neutral and non-polar, with serine, which is neutral and polar, at codon 3680 of the ZNF469 protein (p.Pro3680Ser). This variant is not present in population databases (gnomAD no frequency). This variant has not been reported in the literature in individuals affected with ZNF469-related conditions. Algorithms developed to predict the effect of missense changes on protein structure and function output the following: SIFT: "Not Available"; PolyPhen-2: "Probably Damaging"; Align-GVGD: "Not Available". The serine amino acid residue is found in multiple mammalian species, which suggests that this missense change does not adversely affect protein function. In summary, the available evidence is currently insufficient to determine the role of this variant in disease. Therefore, it has been classified as a Variant of Uncertain Significance.

NM_001367624.2(ZNF469):c.11122C>T (p.Pro3708Ser)

Gene: ZNF469 (zinc finger protein 469; plus strand). Cytogenetic location: 16q24.2.
Variant type: single nucleotide variant.
Coding change: c.11122C>T on transcript NM_001367624.2 (MANE Select); coding-DNA position 11122, C replaced by T.
Protein change: p.Pro3708Ser; replaces proline 3708 with serine.
Molecular consequence: missense variant.
Genome position (GRCh38, 1-based): chr16:88,438,592, C>T. VCF-style: chr16-88438592-C-T. GRCh37 (hg19) VCF-style: chr16-88505000-C-T.
Other names: short protein forms P3708S.
Identifiers: ClinVar variation 3651653 (VCV003651653.2).